The following is an entry in ClinVar:

ClinVar aggregate classification (germline): Uncertain significance. Review status: criteria provided, multiple submitters, no conflicts (2 of 4 stars). 3 submissions from 3 submitters: Uncertain significance (3). Last evaluated 2025-03-11.

Conditions:
GLUD1-related disorder. Also called: GLUD1-related condition.
Inborn genetic diseases. Identifiers: MedGen C0950123, MeSH D030342.
Hyperinsulinism-hyperammonemia syndrome (HHF6). Identifiers: Orphanet 35878, MedGen C1847555, MONDO:0011717, OMIM 606762.

Allele frequency attached by ClinVar (database versions not stated): ExAC 0.00002; gnomAD 0.00003; gnomAD exomes 0.00003 and 0.00005; TOPMed 0.00005.
gnomAD v4.1: 50 of 1,614,030 alleles (0.0031%); highest among the groups gnomAD compares: Admixed American, 0.0083%; no homozygotes.

Submissions (3):

Labcorp Genetics (formerly Invitae), Labcorp
Classification: Uncertain significance for Hyperinsulinism-hyperammonemia syndrome. Last evaluated: 2025-03-11. Review status: criteria provided, single submitter. Criteria: Invitae Variant Classification Sherloc (09022015). Collection method: clinical testing. Allele origin: germline.
Comment: This sequence change replaces arginine, which is basic and polar, with histidine, which is basic and polar, at codon 523 of the GLUD1 protein (p.Arg523His). This variant is present in population databases (rs761933718, gnomAD 0.01%). This variant has not been reported in the literature in individuals affected with GLUD1-related conditions. ClinVar contains an entry for this variant (Variation ID: 968471). An algorithm developed to predict the effect of missense changes on protein structure and function (PolyPhen-2) suggests that this variant is likely to be tolerated. In summary, the available evidence is currently insufficient to determine the role of this variant in disease. Therefore, it has been classified as a Variant of Uncertain Significance.

PreventionGenetics, part of Exact Sciences
Classification: Uncertain significance for GLUD1-related condition. Last evaluated: 2023-05-19. Review status: criteria provided, single submitter. Criteria: ACMG Guidelines, 2015. Collection method: clinical testing. Allele origin: germline.
Comment: The GLUD1 c.1568G>A variant is predicted to result in the amino acid substitution p.Arg523His. To our knowledge, this variant has not been reported in the literature. This variant is reported in 0.012% of alleles in individuals of Latino descent in gnomAD. At this time, the clinical significance of this variant is uncertain due to the absence of conclusive functional and genetic evidence.

Ambry Genetics
Classification: Uncertain significance for Inborn genetic diseases. Last evaluated: 2021-09-30. Review status: criteria provided, single submitter. Criteria: Ambry Variant Classification Scheme 2023. Collection method: clinical testing. Allele origin: germline.

NM_005271.5(GLUD1):c.1568G>A (p.Arg523His)

Gene: GLUD1 (glutamate dehydrogenase 1; minus strand). Cytogenetic location: 10q23.2.
Variant type: single nucleotide variant.
Coding change: c.1568G>A on transcript NM_005271.5 (MANE Select); coding-DNA position 1568, G replaced by A.
Protein change: p.Arg523His; replaces arginine 523 with histidine.
Molecular consequence: missense variant.
Genome position (GRCh38, 1-based): chr10:87,051,860, C>T on the plus strand (G>A on the coding strand, the complement: GLUD1 is on the minus strand). VCF-style: chr10-87051860-C-T. GRCh37 (hg19) VCF-style: chr10-88811617-C-T.
Other names: c.1169G>A, p.Arg390His (NM_001318900.1); c.1067G>A, p.Arg356His (NM_001318901.1, NM_001318902.1, NM_001318904.2 and 2 more transcripts); c.1568G>A (NM_005271.3); short protein forms R523H, R356H, R390H.
Identifiers: ClinVar variation 968471 (VCV000968471.11), dbSNP rs761933718, ClinGen allele CA5587373.
Genomic context (GRCh38, chr10:87,051,860, plus strand): 5'-ATGGCATTAACATAGGCAGCTGTTCTCAGGTCCAATCCCAGGTTATACTTCATGGCTGTG[C>T]GCATAATTTGCTGAAATGAAAGAGAAAATGCAGTGAAGATGATCCTGACTCAAGTGGCCA-3'
Protein context (NP_005262.1, residues 513-533): TMERSARQIM[Arg523His]TAMKYNLGLD